The following is an entry in ClinVar:

ClinVar aggregate classification (germline): Likely benign. Review status: criteria provided, single submitter (1 of 4 stars). 3 submissions from 3 submitters: Likely benign (1). 2 of the submissions do not count toward it. Last evaluated 2023-02-03.

Conditions:
Microcephaly. Also called: Microcephaly (disease). Identifiers: MedGen C4551563, MONDO:0001149, HP:0000252.
RTTN-related disorder. Also called: RTTN-related condition.

Allele frequency attached by ClinVar (database versions not stated): gnomAD exomes 0.00005 and 0.00033; gnomAD 0.00007; TOPMed 0.00013; 1000 Genomes Project 0.00020; 1000 Genomes Project 30x 0.00031; ExAC 0.00031.
gnomAD v4.1: 83 of 1,613,170 alleles (0.0051%); highest among the groups gnomAD compares: East Asian, 0.17%; no homozygotes.

Submissions (3):

Labcorp Genetics (formerly Invitae), Labcorp
Classification: Likely benign. Last evaluated: 2023-02-03. Review status: criteria provided, single submitter. Criteria: Invitae Variant Classification Sherloc (09022015). Collection method: clinical testing. Allele origin: germline.

PreventionGenetics, part of Exact Sciences
Classification: Likely benign for RTTN-related condition. Last evaluated: 2022-03-15. Review status: no assertion criteria provided. Collection method: clinical testing. Allele origin: germline. Not counted in ClinVar's aggregate classification.
Comment: This variant is classified as likely benign based on ACMG/AMP sequence variant interpretation guidelines (Richards et al. 2015 PMID: 25741868, with internal and published modifications).

Department of Pediatrics, Samsung Medical Center, Samsung Medical Center
Classification: Uncertain significance for Microcephaly. Review status: no assertion criteria provided. Criteria: ACMG Guidelines, 2015. Collection method: research. Allele origin: germline. Affected: yes. Not counted in ClinVar's aggregate classification.

NM_173630.4(RTTN):c.3663T>G (p.Asn1221Lys)

Gene: RTTN (rotatin; minus strand). Cytogenetic location: 18q22.2.
Variant type: single nucleotide variant.
Coding change: c.3663T>G on transcript NM_173630.4 (MANE Select); coding-DNA position 3663, T replaced by G.
Protein change: p.Asn1221Lys; replaces asparagine 1221 with lysine.
Molecular consequence: missense variant.
Genome position (GRCh38, 1-based): chr18:70,114,465, A>C on the plus strand (T>G on the coding strand, the complement: RTTN is on the minus strand). VCF-style: chr18-70114465-A-C. GRCh37 (hg19) VCF-style: chr18-67781701-A-C.
Other names: c.927T>G, p.Asn309Lys (NM_001318520.2); short protein forms N309K, N1221K.
Identifiers: ClinVar variation 813596 (VCV000813596.8), dbSNP rs555257045, ClinGen allele CA8995536.
Genomic context (GRCh38, chr18:70,114,465, plus strand): 5'-TATATAAATGCACCTAAACCTGCAATATTACAAATGGTACCTGTCAGTAACTTCCATGAA[A>C]TTGAGCAGCAAGGTATCAAAAAGAGCAATCAGTTCTTTCTGAAGTTGTTGCCTGACAGCA-3'
Protein context (NP_775901.3, residues 1211-1231): LIALFDTLLL[Asn1221Lys]FMEVTDRKCS